The following is an entry in ClinVar:

NM_015693.4(INTU):c.2548T>C (p.Leu850=)

Gene: INTU (inturned planar cell polarity protein; plus strand). Cytogenetic location: 4q28.1.
Variant type: single nucleotide variant.
Coding change: c.2548T>C on transcript NM_015693.4 (MANE Select); coding-DNA position 2548, T replaced by C.
Protein change: p.Leu850=; no amino-acid change (leucine 850 retained).
Molecular consequence: synonymous variant.
Genome position (GRCh38, 1-based): chr4:127,711,091, T>C. VCF-style: chr4-127711091-T-C. GRCh37 (hg19) VCF-style: chr4-128632246-T-C.
Other names: c.2548T>C (NM_015693.3).
Identifiers: ClinVar variation 2056134 (VCV002056134.6), dbSNP rs148672534, ClinGen allele CA3075355.

ClinVar aggregate classification (germline): Likely benign. Review status: criteria provided, single submitter (1 of 4 stars). 2 submissions from 2 submitters: Likely benign (1). 1 of the submissions does not count toward it. Last evaluated 2025-10-14.

Conditions:
INTU-related disorder. Also called: INTU-related condition.

Allele frequency attached by ClinVar (database versions not stated): gnomAD exomes 0.00005; ExAC 0.00006; TOPMed 0.00008; gnomAD 0.00010; ESP Exome Variant Server 0.00015; 1000 Genomes Project 0.00020; 1000 Genomes Project 30x 0.00031.
gnomAD v4.1: 99 of 1,588,214 alleles (0.0062%); highest among the groups gnomAD compares: Middle Eastern, 0.12%; no homozygotes.

Submissions (2):

Labcorp Genetics (formerly Invitae), Labcorp
Classification: Likely benign. Last evaluated: 2025-10-14. Review status: criteria provided, single submitter. Criteria: Invitae Variant Classification Sherloc (09022015). Collection method: clinical testing. Allele origin: germline.

PreventionGenetics, part of Exact Sciences
Classification: Likely benign for INTU-related condition. Last evaluated: 2019-02-28. Review status: no assertion criteria provided. Collection method: clinical testing. Allele origin: germline. Not counted in ClinVar's aggregate classification.
Comment: This variant is classified as likely benign based on ACMG/AMP sequence variant interpretation guidelines (Richards et al. 2015 PMID: 25741868, with internal and published modifications).